The following is an entry in ClinVar:

ClinVar aggregate classification (germline): Likely benign. Review status: criteria provided, single submitter (1 of 4 stars). 2 submissions from 2 submitters: Likely benign (1). 1 of the submissions does not count toward it. Last evaluated 2023-03-23.

Conditions:
Breast-ovarian cancer, familial, susceptibility to, 2 (BROVCA2). Also called: BRCA2 Hereditary Breast and Ovarian Cancer. Identifiers: Orphanet 145, MedGen C2675520, MONDO:0012933, OMIM 612555. Disease mechanism: loss of function.
Hereditary cancer-predisposing syndrome. Also called: Neoplastic Syndromes, Hereditary; Tumor predisposition; Hereditary Cancer Syndrome; Hereditary neoplastic syndrome. Identifiers: Orphanet 140162, MedGen C0027672, MeSH D009386, MONDO:0015356.

Submissions (2):

University of Washington Department of Laboratory Medicine, University of Washington
Classification: Likely benign for Hereditary cancer-predisposing syndrome. Last evaluated: 2023-03-23. Review status: criteria provided, single submitter. Criteria: Dines et al. (Genet Med. 2020). Collection method: curation. Allele origin: germline.
Comment: Missense variant in a coldspot region where missense variants are very unlikely to be pathogenic (PMID:31911673).

BRCA2 exon 11 coldspot. Reclassification based on statistical prior probability.

Breast Cancer Information Core (BIC) (BRCA2)
Classification: Uncertain significance for Breast-ovarian cancer, familial 2. Last evaluated: 2003-12-23. Review status: no assertion criteria provided. Collection method: clinical testing. Allele origin: germline. Affected: yes. Observed: 1 variant allele. Not counted in ClinVar's aggregate classification.

NM_000059.4(BRCA2):c.2965T>G (p.Tyr989Asp)

Gene: BRCA2 (BRCA2 DNA repair associated; plus strand). Cytogenetic location: 13q13.1.
Variant type: single nucleotide variant.
Coding change: c.2965T>G on transcript NM_000059.4 (MANE Select); coding-DNA position 2965, T replaced by G.
Protein change: p.Tyr989Asp; replaces tyrosine 989 with aspartic acid.
Molecular consequence: missense variant.
Genome position (GRCh38, 1-based): chr13:32,337,320, T>G. VCF-style: chr13-32337320-T-G. GRCh37 (hg19) VCF-style: chr13-32911457-T-G.
Other names: short protein forms Y989D.
Identifiers: ClinVar variation 51380 (VCV000051380.4), dbSNP rs80358542, ClinGen allele CA016920.